The following is an entry in ClinVar:

NM_002609.4(PDGFRB):c.1412A>G (p.Glu471Gly)

Gene: PDGFRB (platelet derived growth factor receptor beta; minus strand). Cytogenetic location: 5q32.
Variant type: single nucleotide variant.
Coding change: c.1412A>G on transcript NM_002609.4 (MANE Select); coding-DNA position 1412, A replaced by G.
Protein change: p.Glu471Gly; replaces glutamic acid 471 with glycine.
Molecular consequence: missense variant.
Genome position (GRCh38, 1-based): chr5:150,129,924, T>C on the plus strand (A>G on the coding strand, the complement: PDGFRB is on the minus strand). VCF-style: chr5-150129924-T-C. GRCh37 (hg19) VCF-style: chr5-149509487-T-C.
Other names: c.1220A>G, p.Glu407Gly (NM_001355016.2); c.929A>G, p.Glu310Gly (NM_001355017.2); short protein forms E310G, E407G, E471G.
Identifiers: ClinVar variation 1722816 (VCV001722816.2), dbSNP rs2481219898, ClinGen allele CA361715278.
Genomic context (GRCh38, chr5:150,129,924, plus strand): 5'-ACCTCAAACTCCTGCTCCTCCTCCCAGTACGTCACGTTAGTCTCCAGCTGGCTCTCCTCT[T>C]CGGAACTGTTCCCCAGCAGCGTGGGCGGCAGCTCACGTGGACACCTGCCAGGAGAGCCGG-3'
Protein context (NP_002600.1, residues 461-481): LPPTLLGNSS[Glu471Gly]EESQLETNVT

ClinVar aggregate classification (germline): Uncertain significance (1 of 4 stars; one submission).

Allele frequency attached by ClinVar (database versions not stated): gnomAD exomes below 0.00001.
gnomAD v4.1: 1 of 1,614,114 alleles (0.000062%); highest among the groups gnomAD compares: South Asian, 0.0011%; no homozygotes.

Submission:

GeneDx
Classification: Uncertain significance. Last evaluated: 2022-04-30. Review status: criteria provided, single submitter. Criteria: GeneDx Variant Classification Process June 2021. Collection method: clinical testing. Allele origin: germline. Affected: yes.
Comment: Not observed at significant frequency in large population cohorts (gnomAD); In silico analysis supports that this missense variant does not alter protein structure/function; Has not been previously published as pathogenic or benign to our knowledge